The following is an entry in ClinVar:

ClinVar aggregate classification (germline): Uncertain significance. Review status: criteria provided, single submitter (1 of 4 stars). 2 submissions from 2 submitters: Uncertain significance (1). 1 of the submissions does not count toward it. Last evaluated 2025-10-03.

Conditions:
TBX18-related disorder. Also called: TBX18-related condition.

Allele frequency attached by ClinVar (database versions not stated): 1000 Genomes Project 30x 0.00016; 1000 Genomes Project 0.00020; ESP Exome Variant Server 0.00038; gnomAD 0.00052; TOPMed 0.00059; ExAC 0.00072.
gnomAD v4.1: 1,243 of 1,614,014 alleles (0.077%); highest among the groups gnomAD compares: Non-Finnish European, 0.1%; no homozygotes.

Submissions (2):

Labcorp Genetics (formerly Invitae), Labcorp
Classification: Uncertain significance. Last evaluated: 2025-10-03. Review status: criteria provided, single submitter. Criteria: Invitae Variant Classification Sherloc (09022015). Collection method: clinical testing. Allele origin: germline.
Comment: This sequence change replaces threonine, which is neutral and polar, with proline, which is neutral and non-polar, at codon 464 of the TBX18 protein (p.Thr464Pro). This variant is present in population databases (rs114499307, gnomAD 0.1%), and has an allele count higher than expected for a pathogenic variant. This variant has not been reported in the literature in individuals affected with TBX18-related conditions. ClinVar contains an entry for this variant (Variation ID: 2052428). Invitae Evidence Modeling of protein sequence and biophysical properties (such as structural, functional, and spatial information, amino acid conservation, physicochemical variation, residue mobility, and thermodynamic stability) indicates that this missense variant is not expected to disrupt TBX18 protein function with a negative predictive value of 80%. In summary, the available evidence is currently insufficient to determine the role of this variant in disease. Therefore, it has been classified as a Variant of Uncertain Significance.

PreventionGenetics, part of Exact Sciences
Classification: Likely benign for TBX18-related condition. Last evaluated: 2022-03-28. Review status: no assertion criteria provided. Collection method: clinical testing. Allele origin: germline. Not counted in ClinVar's aggregate classification.
Comment: This variant is classified as likely benign based on ACMG/AMP sequence variant interpretation guidelines (Richards et al. 2015 PMID: 25741868, with internal and published modifications).

NM_001080508.3(TBX18):c.1390A>C (p.Thr464Pro)

Gene: TBX18 (T-box transcription factor 18; minus strand). Cytogenetic location: 6q14.3.
Variant type: single nucleotide variant.
Coding change: c.1390A>C on transcript NM_001080508.3 (MANE Select); coding-DNA position 1390, A replaced by C.
Protein change: p.Thr464Pro; replaces threonine 464 with proline.
Molecular consequence: missense variant.
Genome position (GRCh38, 1-based): chr6:84,737,119, T>G on the plus strand (A>C on the coding strand, the complement: TBX18 is on the minus strand). VCF-style: chr6-84737119-T-G. GRCh37 (hg19) VCF-style: chr6-85446837-T-G.
Other names: c.1390A>C (NM_001080508.2); short protein forms T464P.
Identifiers: ClinVar variation 2052428 (VCV002052428.6), dbSNP rs114499307, ClinGen allele CA3910841.